The following is an entry in ClinVar:

NM_006623.4(PHGDH):c.510+6A>G

Gene: PHGDH (phosphoglycerate dehydrogenase; plus strand). Cytogenetic location: 1p12.
Variant type: single nucleotide variant.
Coding change: c.510+6A>G on transcript NM_006623.4 (MANE Select); 6 bases into the intron after coding-DNA position 510, A replaced by G.
Molecular consequence: intron variant.
Genome position (GRCh38, 1-based): chr1:119,727,108, A>G. VCF-style: chr1-119727108-A-G. GRCh37 (hg19) VCF-style: chr1-120269731-A-G.
Identifiers: ClinVar variation 791736 (VCV000791736.15), dbSNP rs371736796, ClinGen allele CA1037120.

ClinVar aggregate classification (germline): Benign/Likely benign. Review status: criteria provided, multiple submitters, no conflicts (2 of 4 stars). 6 submissions from 5 submitters: Benign (3); Likely benign (2). 1 of the submissions does not count toward it. Last evaluated 2026-07-07.

Conditions:
PHGDH-related disorder. Also called: PHGDH-related condition.
Neu-Laxova syndrome 1 (NLS1). Identifiers: Orphanet 2671, Orphanet 583607, MedGen C4551478, MONDO:0009736, OMIM 256520. Disease mechanism: loss of function.
PHGDH deficiency. Identifiers: Orphanet 79351, MedGen C1866174, MONDO:0011152, OMIM 601815.

Allele frequency attached by ClinVar (database versions not stated): gnomAD exomes 0.00014 and 0.00033; 1000 Genomes Project 30x 0.00031; 1000 Genomes Project 0.00040; ExAC 0.00041; gnomAD 0.00119 and 0.00133; ESP Exome Variant Server 0.00123; TOPMed 0.00145.
gnomAD v4.1: 384 of 1,534,524 alleles (0.025%); highest among the groups gnomAD compares: African/African-American, 0.43%; 1 homozygote.

Submissions (9):

PreventionGenetics, part of Exact Sciences
Classification: Likely benign for PHGDH-related condition. Last evaluated: 2026-07-07. Review status: criteria provided, single submitter. Criteria: ACMG Guidelines, 2015. Collection method: clinical testing. Allele origin: germline.
Comment: This variant is classified as likely benign based on ACMG/AMP sequence variant interpretation guidelines (Richards et al. 2015 PMID: 25741868, with internal and published modifications).

Labcorp Genetics (formerly Invitae), Labcorp
Classification: Likely benign for PHGDH deficiency. Last evaluated: 2026-02-03. Review status: criteria provided, single submitter. Criteria: Invitae Variant Classification Sherloc (09022015). Collection method: clinical testing. Allele origin: germline.

Genome-Nilou Lab
Classification: Benign for Neu-Laxova syndrome 1. Last evaluated: 2023-04-11. Review status: criteria provided, single submitter. Criteria: ACMG Guidelines, 2015. Collection method: clinical testing. Allele origin: germline. Affected: no.

Genome-Nilou Lab
Classification: Benign for PHGDH deficiency. Last evaluated: 2023-04-11. Review status: criteria provided, single submitter. Criteria: ACMG Guidelines, 2015. Collection method: clinical testing. Allele origin: germline. Affected: no.

Athena Diagnostics
Classification: Benign. Last evaluated: 2018-11-29. Review status: criteria provided, single submitter. Criteria: Athena Diagnostics Criteria. Collection method: clinical testing. Allele origin: germline.

Natera, Inc.
Classification: Likely benign for Phosphoglycerate dehydrogenase deficiency. Last evaluated: 2020-06-05. Review status: no assertion criteria provided. Collection method: clinical testing. Allele origin: germline. Not counted in ClinVar's aggregate classification.

Dr. Peter K. Rogan Lab, Western University
No classification provided (evidence only). Condition: Familial cancer of breast. Review status: no classification provided. Collection method: in vitro. Allele origin: not applicable. Functional consequence: retained intron. Not counted in ClinVar's aggregate classification.

Dr. Peter K. Rogan Lab, Western University
No classification provided (evidence only). Condition: Acute myeloid leukemia. Review status: no classification provided. Collection method: in vitro. Allele origin: not applicable. Functional consequence: retained intron. Not counted in ClinVar's aggregate classification.

Dr. Peter K. Rogan Lab, Western University
No classification provided (evidence only). Condition: Uterine corpus endometrial carcinoma. Review status: no classification provided. Collection method: in vitro. Allele origin: not applicable. Functional consequence: retained intron. Not counted in ClinVar's aggregate classification.